The following is an entry in ClinVar:

ClinVar aggregate classification (germline): Uncertain significance (1 of 4 stars; one submission).

Conditions:
Nemaline myopathy 6 (NEM6). Also called: Nemaline myopathy 6, autosomal dominant. Identifiers: Orphanet 171439, MedGen C1836472, MONDO:0012237, OMIM 609273.

Submission:

Labcorp Genetics (formerly Invitae), Labcorp
Classification: Uncertain significance for Nemaline myopathy 6. Last evaluated: 2025-02-25. Review status: criteria provided, single submitter. Criteria: Invitae Variant Classification Sherloc (09022015). Collection method: clinical testing. Allele origin: germline.
Comment: This sequence change replaces alanine, which is neutral and non-polar, with valine, which is neutral and non-polar, at codon 151 of the KBTBD13 protein (p.Ala151Val). This variant is not present in population databases (gnomAD no frequency). This variant has not been reported in the literature in individuals affected with KBTBD13-related conditions. Invitae Evidence Modeling of protein sequence and biophysical properties (such as structural, functional, and spatial information, amino acid conservation, physicochemical variation, residue mobility, and thermodynamic stability) indicates that this missense variant is not expected to disrupt KBTBD13 protein function with a negative predictive value of 80%. In summary, the available evidence is currently insufficient to determine the role of this variant in disease. Therefore, it has been classified as a Variant of Uncertain Significance.

NM_001101362.3(KBTBD13):c.452C>T (p.Ala151Val)

Gene: KBTBD13 (kelch repeat and BTB domain containing 13; plus strand). Cytogenetic location: 15q22.31.
Variant type: single nucleotide variant.
Coding change: c.452C>T on transcript NM_001101362.3 (MANE Select); coding-DNA position 452, C replaced by T.
Protein change: p.Ala151Val; replaces alanine 151 with valine.
Molecular consequence: missense variant.
Genome position (GRCh38, 1-based): chr15:65,077,267, C>T. VCF-style: chr15-65077267-C-T. GRCh37 (hg19) VCF-style: chr15-65369605-C-T.
Other names: short protein forms A151V.
Identifiers: ClinVar variation 4699836 (VCV004699836.1).
Genomic context (GRCh38, chr15:65,077,267, plus strand): 5'-ACGGCGAGCGCGAGCTGGCGGCCGAACTGGCGCTGCCTGAGGCCCGCGCCTACGTGGCGG[C>T]CCTGCGGCCCAGCAGCTACGCGGCCGTGAGCACGCACACGCCCGCGCCCGGCTTCCTGGA-3'
Protein context (NP_001094832.1, residues 141-161): ALPEARAYVA[Ala151Val]LRPSSYAAVS